The following is an entry in ClinVar:

ClinVar aggregate classification (germline): Uncertain significance. Review status: criteria provided, multiple submitters, no conflicts (2 of 4 stars). 2 submissions from 2 submitters: Uncertain significance (2). Last evaluated 2026-06-30.

Conditions:
HTR2C-related disorder. Also called: HTR2C-related condition.

Submissions (2):

PreventionGenetics, part of Exact Sciences
Classification: Uncertain significance for HTR2C-related condition. Last evaluated: 2026-06-30. Review status: criteria provided, single submitter. Criteria: ACMG Guidelines, 2015. Collection method: clinical testing. Allele origin: germline.
Comment: The HTR2C c.1180C>T variant is predicted to result in the amino acid substitution p.Pro394Ser. To our knowledge, this variant has not been reported in the literature or in a large population database (gnomAD), indicating this variant is rare. At this time, the clinical significance of this variant is uncertain due to the absence of conclusive functional and genetic evidence.

Ambry Genetics
Classification: Uncertain significance. Last evaluated: 2023-06-29. Review status: criteria provided, single submitter. Criteria: Ambry Variant Classification Scheme 2023. Collection method: clinical testing. Allele origin: germline.

NM_000868.4(HTR2C):c.1180C>T (p.Pro394Ser)

Genes: HTR2C (5-hydroxytryptamine receptor 2C; plus strand), LOC126863306 (MED14-independent group 3 enhancer GRCh37_chrX:114140926-114142125; plus strand). Cytogenetic location: Xq23.
Variant type: single nucleotide variant.
Coding change: c.1180C>T on transcript NM_000868.4 (MANE Select); coding-DNA position 1180, C replaced by T.
Protein change: p.Pro394Ser; replaces proline 394 with serine.
Molecular consequence: missense variant. On other transcripts: 3 prime UTR variant (1).
Genome position (GRCh38, 1-based): chrX:114,907,218, C>T. VCF-style: chrX-114907218-C-T. GRCh37 (hg19) VCF-style: chrX-114141781-C-T.
Other names: c.1180C>T, p.Pro394Ser (NM_001256760.3); c.*338C>T (NM_001256761.3); c.1180C>T (NM_000868.3); short protein forms P394S.
Identifiers: ClinVar variation 2607228 (VCV002607228.3), dbSNP rs2522061579, ClinGen allele CA414322577.